The following is an entry in ClinVar:

NM_033026.6(PCLO):c.14861G>T (p.Ser4954Ile)

Genes: PCLO (piccolo presynaptic cytomatrix protein; minus strand), LOC126860089 (MED14-independent group 3 enhancer GRCh37_chr7:82434470-82435669; plus strand). Cytogenetic location: 7q21.11.
Variant type: single nucleotide variant.
Coding change: c.14861G>T on transcript NM_033026.6 (MANE Select); coding-DNA position 14861, G replaced by T.
Protein change: p.Ser4954Ile; replaces serine 4954 with isoleucine.
Molecular consequence: missense variant.
Genome position (GRCh38, 1-based): chr7:82,805,760, C>A on the plus strand (G>T on the coding strand, the complement: PCLO is on the minus strand). VCF-style: chr7-82805760-C-A. GRCh37 (hg19) VCF-style: chr7-82435076-C-A.
Other names: short protein forms S4954I.
Identifiers: ClinVar variation 4779865 (VCV004779865.1).

ClinVar aggregate classification (germline): Uncertain significance (1 of 4 stars; one submission).

gnomAD v4.1: 4 of 1,611,824 alleles (0.00025%); highest among the groups gnomAD compares: Admixed American, 0.0017%; no homozygotes.

Submission:

Labcorp Genetics (formerly Invitae), Labcorp
Classification: Uncertain significance. Last evaluated: 2025-08-29. Review status: criteria provided, single submitter. Criteria: Invitae Variant Classification Sherloc (09022015). Collection method: clinical testing. Allele origin: germline.
Comment: This sequence change replaces serine, which is neutral and polar, with isoleucine, which is neutral and non-polar, at codon 4954 of the PCLO protein (p.Ser4954Ile). The frequency data for this variant in the population databases is considered unreliable, as metrics indicate poor data quality at this position in the gnomAD database. This variant has not been reported in the literature in individuals affected with PCLO-related conditions. Experimental studies and prediction algorithms are not available or were not evaluated, and the functional significance of this variant is currently unknown. In summary, the available evidence is currently insufficient to determine the role of this variant in disease. Therefore, it has been classified as a Variant of Uncertain Significance.